The following is an entry in ClinVar:

ClinVar aggregate classification (germline): Conflicting classifications of pathogenicity. Review status: criteria provided, conflicting classifications (1 of 4 stars). 16 submissions from 16 submitters: Pathogenic (1); Likely pathogenic (2); Uncertain significance (9). 4 of the submissions do not count toward it. Last evaluated 2026-08-06.

Conditions:
SERPINA1-related disorder. Also called: SERPINA1-related condition; SerpinA1-related disorders.
Inborn genetic diseases. Identifiers: MedGen C0950123, MeSH D030342.
Alpha-1-antitrypsin deficiency (A1ATD). Also called: Alpha1-Antitrypsin Deficiency; AAT deficiency; A1AT deficiency. Identifiers: Orphanet 60, MedGen C0221757, MONDO:0013282, OMIM 613490.
PI F.

Allele frequency attached by ClinVar (database versions not stated): gnomAD 0.00199 and 0.00211; ExAC 0.00288; ESP Exome Variant Server 0.00308; 1000 Genomes Project 30x 0.00078; 1000 Genomes Project 0.00100; TOPMed 0.00195; gnomAD exomes 0.00212.

Submissions (16):

GeneDx
Classification: Uncertain significance. Last evaluated: 2026-08-06. Review status: criteria provided, single submitter. Criteria: GeneDx Variant Classification Process June 2021. Collection method: clinical testing. Allele origin: germline.
Comment: Commonly referred to as the F variant or R223C by alternate nomenclature, and has been reported multiple times in association with normal serum AAT levels when present in the homozygous state and mildly reduced AAT levels when present with another disease-causing SERPINA1 variant (PMID: 2035534, 22078084, 25098359); Homozygosity for R247C may increase susceptibility to elastase-induced lung damage but not emphysema, whereas this variant can be of clinical consequence when in the compound heterozygous state with the Z allele (E366K) (PMID: 25098359); Published functional studies demonstrate a damaging effect on protein function (PMID: 38637533); In silico analysis supports that this missense variant has a deleterious effect on protein structure/function; This variant is associated with the following publications: (PMID: 25525159, 18682522, 26987331, 24713750, 8912354, 25637381, 24082139, 27153395, 22078084, 2035534, 9041988, 15115878, 29882371, 26310624, 23632999, 6306478, Wang2022[Functional Study], 20301692, 31819391, 32181528, 31450843, 26647313, 31661293, 35477570, 37622442, 25098359, 31298815, 37277845, Ramos[Article], 38392031, 39492455, 36658113, 38388492, 39880301, 38659141, DeCurtis2024[CaseReport], 37651384, 38637533)

PreventionGenetics, part of Exact Sciences
Classification: Uncertain significance for SERPINA1-related condition. Last evaluated: 2026-05-21. Review status: criteria provided, single submitter. Criteria: ACMG Guidelines, 2015. Collection method: clinical testing. Allele origin: germline.
Comment: The SERPINA1 c.739C>T variant is predicted to result in the amino acid substitution p.Arg247Cys. This variant, alternatively referred to as the F allele or p.Arg223Cys, has been reported in multiple individuals with alpha-1-antitrypsin deficiency (see for examples, Okayama et al. 1991. PubMed ID: 2035534; Cook et al. 1996. PubMed ID: 8912354; Ringenbach et al. 2011. PubMed ID: 22078084). This variant is reported in 0.42% of alleles in individuals of European (non-Finnish) descent, including one homozygous individual. An in vitro experimental study suggests this variant may reduce AAT secretion (Ronzoni et al. 2015. PubMed ID: 26647313). At this time, the clinical significance of this variant is uncertain due to the absence of conclusive functional and genetic evidence.

Mayo Clinic Laboratories, Mayo Clinic
Classification: Pathogenic. Last evaluated: 2025-09-08. Review status: criteria provided, single submitter. Criteria: ACMG Guidelines, 2015. Collection method: clinical testing. Allele origin: germline. Observed: 2 variant alleles.

Blueprint Genetics
Classification: Uncertain significance. Last evaluated: 2024-11-11. Review status: criteria provided, single submitter. Criteria: ACMG Guidelines, 2015. Collection method: clinical testing. Allele origin: germline.

Illumina Laboratory Services, Illumina
Classification: Uncertain significance for Alpha-1-antitrypsin deficiency. Last evaluated: 2024-02-13. Review status: criteria provided, single submitter. Criteria: ISL SNV Classification Criteria 03 February 2026. Collection method: clinical testing. Allele origin: unknown.
Comment: The SERPINA1 c.739C>T p.(Arg247Cys) missense variant, also known as the PI*F allele, has been reported in the literature in a homozygous state in individuals with normal levels of serum AAT, and in a compound heterozygous state with another disease-causing variant in individuals with mildly reduced AAT levels (PMID: 2035534; 22078084; 25098359). In the homozygous state, this variant may increase susceptibility to elastase-induced lung damage and may be of clinical significance in the compound heterozygous state (PMID: 25098359). The highest frequency of this allele in the Genome Aggregation Database is 0.004176 in the European (non-Finnish) population, which includes 1 homozygote (version 2.1.1). Functional studies demonstrated that this variant is impaired in binding to neutrophil elastase (PMID:25098359). Multiple lines of computational evidence suggest the variant may not impact the gene or gene product. Based on the available evidence, the SERPINA1 c.739C>T p.(Arg247Cys) variant is classified as a variant of unknown significance for alpha-1-antitrypsin deficiency.

Labcorp Genetics (formerly Invitae), Labcorp
Classification: Uncertain significance for Alpha-1-antitrypsin deficiency. Last evaluated: 2022-07-24. Review status: criteria provided, single submitter. Criteria: Invitae Variant Classification Sherloc (09022015). Collection method: clinical testing. Allele origin: germline.
Comment: This sequence change replaces arginine, which is basic and polar, with cysteine, which is neutral and slightly polar, at codon 247 of the SERPINA1 protein (p.Arg247Cys). This variant is present in population databases (rs28929470, gnomAD 0.4%). This missense change has been observed in individual(s) with chronic obstructive pulmonary disease (COPD) and slight decreased A1AT protein levels and alpha 1-antitrypsine (A1AT) deficiency (PMID: 2035534, 22078084). In at least one individual the data is consistent with being in trans (on the opposite chromosome) from a pathogenic variant. This variant is also known as allele F or p.Arg223Cys. ClinVar contains an entry for this variant (Variation ID: 17961). Advanced modeling of protein sequence and biophysical properties (such as structural, functional, and spatial information, amino acid conservation, physicochemical variation, residue mobility, and thermodynamic stability) performed at Invitae indicates that this missense variant is expected to disrupt SERPINA1 protein function. Experimental studies have shown that this missense change affects SERPINA1 function (PMID: 8912354). In summary, the available evidence is currently insufficient to determine the role of this variant in disease. Therefore, it has been classified as a Variant of Uncertain Significance.

MGZ Medical Genetics Center
Classification: Likely pathogenic for Alpha-1-antitrypsin deficiency. Last evaluated: 2022-04-11. Review status: criteria provided, single submitter. Criteria: ACMG Guidelines, 2015. Collection method: clinical testing. Allele origin: germline. Affected: yes. Observed: 1 variant allele.
Comment: ACMG criteria applied: PS4_MOD, PM3, PS3_SUP, PP3

Department of Pathology and Laboratory Medicine, Sinai Health System
Classification: Likely pathogenic for Alpha-1-antitrypsin deficiency. Last evaluated: 2020-07-13. Review status: criteria provided, single submitter. Criteria: ACMG Guidelines, 2015. Collection method: research. Allele origin: germline.

Mendelics
Classification: Uncertain significance for Alpha-1-antitrypsin deficiency. Last evaluated: 2019-05-28. Review status: criteria provided, single submitter. Criteria: Mendelics Assertion Criteria 2017. Collection method: clinical testing. Allele origin: unknown.

Eurofins Ntd Llc (ga)
Classification: Uncertain significance. Last evaluated: 2018-08-30. Review status: criteria provided, single submitter. Criteria: EGL ClinVar v180209 classification definitions. Collection method: clinical testing. Allele origin: germline. Observed: 13 variant alleles, 13 heterozygotes.

Ambry Genetics
Classification: Uncertain significance for Inborn genetic diseases. Last evaluated: 2017-03-17. Review status: criteria provided, single submitter. Criteria: Ambry exome assertion method (8-5-2015). Collection method: clinical testing. Allele origin: germline. Affected: yes. Observed: 1 variant allele.

Laboratory for Molecular Medicine, Mass General Brigham Personalized Medicine
Classification: Uncertain significance. Last evaluated: 2013-10-11. Review status: criteria provided, single submitter. Criteria: LMM Criteria. Collection method: clinical testing. Allele origin: germline. Observed: 1 variant allele.
Comment: The Arg247Cys variant in SERPINA1, also called the F allele, has been identified in 0.4% (35/8600) of European American chromosomes from a large population by t he NHLBI Exome Sequencing Project. This vari ant has been reported to affect protein function (Cook 1996) and may contribute to disease when homozygous or when present with other SERPINA1 variants (Ringenb ach 2011). Computational analyses (biochemical amino acid properties, AlignGVGD, PolyPhen2, and SIFT) also support an impact to the protein though their accurac y is not known. In summary, additional information is needed to fully assess the clinical significance of this variant.

OMIM
Classification: other for PI F. Last evaluated: 2016-07-15. Review status: no assertion criteria provided. Collection method: literature only. Allele origin: germline. Not counted in ClinVar's aggregate classification.

Department of Laboratory Medicine and Genetics, Trillium Health Partners Credit Valley Hospital
Classification: Likely pathogenic for Alpha-1-antitrypsin deficiency. Last evaluated: 2014-12-08. Review status: no assertion criteria provided. Collection method: clinical testing. Allele origin: germline. Affected: yes. Not counted in ClinVar's aggregate classification.
Comment: Mildly reduced alpha-1-antitrypsin activity. In practice appears to be associated with mild deficiency. Literature opinion divided. Protein levels may be normal but has a decreased ability to inhibit neutrophil elastase & is frequently seen in patients with respiratory symptoms.

Rare dysfunctional allele - described in literature as 'normal' since measured enzyme activity appears near normal, often seen in affected compound heterozygotes with Z

CSER _CC_NCGL, University of Washington
Classification: Uncertain significance for Antitrypsin alpha 1 deficiency. Last evaluated: 2014-06-01. Review status: no assertion criteria provided. Collection method: research. Allele origin: germline. Inheritance: Autosomal recessive inheritance. Study: ESP 6500 variant annotation. Not counted in ClinVar's aggregate classification.
Comment: Variants classified for the Actionable exomic incidental findings in 6503 participants: challenges of variant classification manuscript

GeneReviews
Classification: Pathogenic for Alpha-1-antitrypsin deficiency. Last evaluated: 2014-05-01. Review status: no assertion criteria provided. Collection method: literature only. Allele origin: germline. Affected: yes. Not counted in ClinVar's aggregate classification.
Comment: Disease association: lung

Literature cited by the submitters: PubMed 26987331 (cited by Illumina Laboratory Services, Illumina); PubMed 31661293 (cited by Illumina Laboratory Services, Illumina); PubMed 37622442 (cited by Illumina Laboratory Services, Illumina); PubMed 22078084 (cited by 4 submitters); PubMed 25098359 (cited by Illumina Laboratory Services, Illumina and Ambry Genetics); PubMed 2035534 (cited by 4 submitters); PubMed 8912354 (cited by 3 submitters); PubMed 24713750 (cited by Ambry Genetics); PubMed 2696185 (cited by OMIM).

NM_001127701.1(SERPINA1):c.739C>T (p.Arg247Cys)

Gene: SERPINA1 (serpin family A member 1; minus strand). Cytogenetic location: 14q32.13.
Variant type: single nucleotide variant.
Coding change: c.739C>T on transcript NM_001127701.1; coding-DNA position 739, C replaced by T.
Protein change: p.Arg247Cys; replaces arginine 247 with cysteine.
Molecular consequence: missense variant (on NM_000295.5).
Genome position (GRCh38, 1-based): chr14:94,381,049, G>A on the plus strand (C>T on the coding strand, the complement: SERPINA1 is on the minus strand). VCF-style: chr14-94381049-G-A. GRCh37 (hg19) VCF-style: chr14-94847386-G-A.
Other names: R223C; SERPINA1, ARG223CYS ON M1V; F variant; c.739C>T, p.Arg247Cys (NM_000295.5, NM_001002235.3, NM_001002236.3 and 8 more transcripts); short protein forms R247C.
Identifiers: ClinVar variation 17961 (VCV000017961.33), dbSNP rs28929470, ClinGen allele CA325638.